The following is an entry in ClinVar:

NM_000400.4(ERCC2):c.1110G>T (p.Lys370Asn)

Gene: ERCC2 (ERCC excision repair 2, TFIIH core complex helicase subunit; minus strand). Cytogenetic location: 19q13.32.
Variant type: single nucleotide variant.
Coding change: c.1110G>T on transcript NM_000400.4 (MANE Select); coding-DNA position 1110, G replaced by T.
Protein change: p.Lys370Asn; replaces lysine 370 with asparagine.
Molecular consequence: missense variant.
Genome position (GRCh38, 1-based): chr19:45,363,751, C>A on the plus strand (G>T on the coding strand, the complement: ERCC2 is on the minus strand). VCF-style: chr19-45363751-C-A. GRCh37 (hg19) VCF-style: chr19-45867009-C-A.
Other names: c.1038G>T, p.Lys346Asn (NM_001130867.2); short protein forms K370N, K346N.
Identifiers: ClinVar variation 1795137 (VCV001795137.2), dbSNP rs1456509694, ClinGen allele CA406371978.

ClinVar aggregate classification (germline): Uncertain significance (1 of 4 stars; one submission).

Conditions:
Inborn genetic diseases. Identifiers: MedGen C0950123, MeSH D030342.

Allele frequency attached by ClinVar (database versions not stated): gnomAD exomes below 0.00001; gnomAD 0.00001.
gnomAD v4.1: 3 of 1,533,860 alleles (0.0002%); highest among the groups gnomAD compares: Non-Finnish European, 0.000087%; no homozygotes.

Submission:

Ambry Genetics
Classification: Uncertain significance for Inborn genetic diseases. Last evaluated: 2021-09-20. Review status: criteria provided, single submitter. Criteria: Ambry Variant Classification Scheme 2023. Collection method: clinical testing. Allele origin: germline.
Comment: The p.K370N variant (also known as c.1110G>T), located in coding exon 11 of the ERCC2 gene, results from a G to T substitution at nucleotide position 1110. The lysine at codon 370 is replaced by asparagine, an amino acid with similar properties. This amino acid position is conserved. In addition, this alteration is predicted to be tolerated by in silico analysis. Since supporting evidence is limited at this time, the clinical significance of this alteration remains unclear.